The following is an entry in ClinVar:

ClinVar aggregate classification (germline): Uncertain significance. Review status: criteria provided, multiple submitters, no conflicts (2 of 4 stars). 2 submissions from 2 submitters: Uncertain significance (2). Last evaluated 2026-04-25.

Conditions:
Dilated cardiomyopathy 1DD (CMD1DD). Identifiers: Orphanet 154, MedGen C2750995, MONDO:0013168, OMIM 613172.

Allele frequency attached by ClinVar (database versions not stated): gnomAD exomes below 0.00001.
gnomAD v4.1: 1 of 1,550,714 alleles (0.000064%); highest among the groups gnomAD compares: Non-Finnish European, 0.000087%; no homozygotes.

Submissions (2):

GeneDx
Classification: Uncertain significance. Last evaluated: 2026-04-25. Review status: criteria provided, single submitter. Criteria: GeneDx Variant Classification Process June 2021. Collection method: clinical testing. Allele origin: germline.
Comment: Not observed at significant frequency in large population cohorts (gnomAD); In silico analysis suggests that this missense variant does not alter protein structure/function; Has not been previously published as pathogenic or benign to our knowledge

Labcorp Genetics (formerly Invitae), Labcorp
Classification: Uncertain significance for Dilated cardiomyopathy 1DD. Last evaluated: 2019-10-16. Review status: criteria provided, single submitter. Criteria: Invitae Variant Classification Sherloc (09022015). Collection method: clinical testing. Allele origin: germline.
Comment: This sequence change replaces isoleucine with valine at codon 449 of the RBM20 protein (p.Ile449Val). The isoleucine residue is weakly conserved and there is a small physicochemical difference between isoleucine and valine. This variant is not present in population databases (ExAC no frequency). This variant has not been reported in the literature in individuals with RBM20-related conditions. Algorithms developed to predict the effect of missense changes on protein structure and function output the following: SIFT: "Not Available"; PolyPhen-2: "Benign"; Align-GVGD: "Class C0". The valine amino acid residue is found in multiple mammalian species, suggesting that this missense change does not adversely affect protein function. These predictions have not been confirmed by published functional studies and their clinical significance is uncertain. In summary, the available evidence is currently insufficient to determine the role of this variant in disease. Therefore, it has been classified as a Variant of Uncertain Significance.

NM_001134363.3(RBM20):c.1345A>G (p.Ile449Val)

Gene: RBM20 (RNA binding motif protein 20; plus strand). Cytogenetic location: 10q25.2.
Variant type: single nucleotide variant.
Coding change: c.1345A>G on transcript NM_001134363.3 (MANE Select); coding-DNA position 1345, A replaced by G.
Protein change: p.Ile449Val; replaces isoleucine 449 with valine.
Molecular consequence: missense variant.
Genome position (GRCh38, 1-based): chr10:110,784,348, A>G. VCF-style: chr10-110784348-A-G. GRCh37 (hg19) VCF-style: chr10-112544106-A-G.
Other names: c.1345A>G (NM_001134363.1); short protein forms I449V.
Identifiers: ClinVar variation 958934 (VCV000958934.10), dbSNP rs1564845257, ClinGen allele CA378387566.